The following is an entry in ClinVar:

ClinVar aggregate classification (germline): Uncertain significance (1 of 4 stars; one submission).

Conditions:
Inborn genetic diseases. Identifiers: MedGen C0950123, MeSH D030342.

gnomAD v4.1: 1 of 1,613,294 alleles (0.000062%); highest among the groups gnomAD compares: East Asian, 0.0022%; no homozygotes.

Submission:

Ambry Genetics
Classification: Uncertain significance for Inborn genetic diseases. Last evaluated: 2024-11-09. Review status: criteria provided, single submitter. Criteria: Ambry Variant Classification Scheme 2023. Collection method: clinical testing. Allele origin: germline.
Comment: The p.V758M variant (also known as c.2272G>A), located in coding exon 19 of the LRRK2 gene, results from a G to A substitution at nucleotide position 2272. The valine at codon 758 is replaced by methionine, an amino acid with highly similar properties. This amino acid position is conserved. In addition, the in silico prediction for this alteration is inconclusive. Based on the available evidence, the clinical significance of this variant remains unclear.

NM_198578.4(LRRK2):c.2272G>A (p.Val758Met)

Gene: LRRK2 (leucine rich repeat kinase 2; plus strand). Cytogenetic location: 12q12.
Variant type: single nucleotide variant.
Coding change: c.2272G>A on transcript NM_198578.4 (MANE Select); coding-DNA position 2272, G replaced by A.
Protein change: p.Val758Met; replaces valine 758 with methionine.
Molecular consequence: missense variant.
Genome position (GRCh38, 1-based): chr12:40,283,905, G>A. VCF-style: chr12-40283905-G-A. GRCh37 (hg19) VCF-style: chr12-40677707-G-A.
Other names: short protein forms V758M.
Identifiers: ClinVar variation 3540773 (VCV003540773.1).